The following is an entry in ClinVar:

ClinVar aggregate classification (germline): Likely pathogenic (1 of 4 stars; one submission).

Conditions:
Pseudohypoparathyroidism type I A (PHP1A). Also called: ALBRIGHT HEREDITARY OSTEODYSTROPHY WITH MULTIPLE HORMONE RESISTANCE; Pseudohypoparathyroidism Type IA; PHP IA; Pseudohypoparathyroidism type 1A; Pseudohypoparathyroidism Ia (PHP-Ia). Identifiers: Orphanet 79443, MedGen C3494506, MONDO:0007078, OMIM 103580.

Submission:

3billion
Classification: Likely pathogenic for Pseudohypoparathyroidism type I A. Last evaluated: 2022-09-01. Review status: criteria provided, single submitter. Criteria: ACMG Guidelines, 2015. Collection method: clinical testing. Allele origin: germline. Affected: yes. Observed: 1 heterozygote.
Comment: The variant is not observed in the gnomAD v2.1.1 dataset. Frameshift variant is predicted to result in a loss or disruption of normal protein function through nonsense-mediated decay (NMD) or protein truncation. Multiple pathogenic variants are reported downstream of the variant. Therefore, this variant is classified as Likely pathogenic according to the recommendation of ACMG/AMP guideline.

NM_000516.7(GNAS):c.415_418del (p.Asp139fs)

Gene: GNAS (GNAS complex locus; plus strand). Cytogenetic location: 20q13.32.
Variant type: Deletion.
Coding change: c.415_418del on transcript NM_000516.7 (MANE Select); coding-DNA positions 415 to 418, 4 bases deleted (GACT; older notation c.415_418delGACT).
Protein change: p.Asp139fs; shifts the reading frame from aspartic acid 139.
Molecular consequence: frameshift variant. On other transcripts: 3 prime UTR variant (2).
Genome position (GRCh38, 1-based): chr20:58,903,774-58,903,777, GACT deleted; deleting any 4 consecutive bases within chr20:58,903,772-58,903,777 gives the same sequence; the c. name uses the placement nearest the transcript's 3' end. VCF-style (leftmost placement, unchanged base first): chr20-58903771-CCTGA-C. GRCh37 (hg19) VCF-style: chr20-57478826-CCTGA-C.
Other names: c.418_421del, p.Asp140fs (NM_001077488.5); c.370_373del, p.Asp124fs (NM_001077489.4); c.*276_*279del (NM_001077490.3); c.238_241del, p.Asp80fs (NM_001309840.2, NM_001309861.2); c.319_322delGACT, p.Asp107Leufs (NM_001410912.1); c.2299_2302delGACT, p.Asp767Leufs (NM_001410913.1); c.*321_*324del (NM_016592.5); c.2344_2347del, p.Asp782fs (NM_080425.4); and 1 more; short protein forms D124fs, D125fs, D139fs, D140fs, D782fs, D80fs.
Identifiers: ClinVar variation 1705346 (VCV001705346.1), dbSNP rs2517085502, ClinGen allele CA2580098310.
Genomic context (GRCh38, chr20:58,903,771, plus strand): 5'-GAGCTGGCCAACCCCGAGAACCAGTTCAGAGTGGACTACATCCTGAGTGTGATGAACGTG[CCTGA>C]CTTTGACTTCCCTCCCGTAAGCTACACCCCGACTTGTGTGGCCTTAGCCCCGCCCACCTG-3'